The following is an entry in ClinVar:

NM_003480.4(MFAP5):c.479C>T (p.Pro160Leu)

Genes: MFAP5 (microfibril associated protein 5; minus strand), LOC126861443 (BRD4-independent group 4 enhancer GRCh37_chr12:8800473-8801672; plus strand). Cytogenetic location: 12p13.31.
Variant type: single nucleotide variant.
Coding change: c.479C>T on transcript NM_003480.4 (MANE Select); coding-DNA position 479, C replaced by T.
Protein change: p.Pro160Leu; replaces proline 160 with leucine.
Molecular consequence: missense variant. On other transcripts: non-coding transcript variant (2).
Genome position (GRCh38, 1-based): chr12:8,648,134, G>A on the plus strand (C>T on the coding strand, the complement: MFAP5 is on the minus strand). VCF-style: chr12-8648134-G-A. GRCh37 (hg19) VCF-style: chr12-8800730-G-A.
Other names: c.449C>T, p.Pro150Leu (NM_001297709.2); c.413C>T, p.Pro138Leu (NM_001297710.2); c.404C>T, p.Pro135Leu (NM_001297711.2); c.287C>T, p.Pro96Leu (NM_001297712.2); short protein forms P135L, P138L, P150L, P160L, P96L.
Identifiers: ClinVar variation 3223389 (VCV003223389.3), dbSNP rs1220661226, ClinGen allele CA384038666.

ClinVar aggregate classification (germline): Uncertain significance. Review status: criteria provided, multiple submitters, no conflicts (2 of 4 stars). 2 submissions from 2 submitters: Uncertain significance (2). Last evaluated 2024-06-17.

Conditions:
Cardiovascular phenotype. Identifiers: MedGen CN230736.

Allele frequency attached by ClinVar (database versions not stated): gnomAD exomes below 0.00001.

Submissions (2):

Labcorp Genetics (formerly Invitae), Labcorp
Classification: Uncertain significance. Last evaluated: 2024-06-17. Review status: criteria provided, single submitter. Criteria: Invitae Variant Classification Sherloc (09022015). Collection method: clinical testing. Allele origin: germline.
Comment: This sequence change replaces proline, which is neutral and non-polar, with leucine, which is neutral and non-polar, at codon 160 of the MFAP5 protein (p.Pro160Leu). This variant is present in population databases (no rsID available, gnomAD 0.0009%). This variant has not been reported in the literature in individuals affected with MFAP5-related conditions. An algorithm developed to predict the effect of missense changes on protein structure and function (PolyPhen-2) suggests that this variant is likely to be disruptive. In summary, the available evidence is currently insufficient to determine the role of this variant in disease. Therefore, it has been classified as a Variant of Uncertain Significance.

Ambry Genetics
Classification: Uncertain significance for Cardiovascular phenotype. Last evaluated: 2023-10-02. Review status: criteria provided, single submitter. Criteria: Ambry Variant Classification Scheme 2023. Collection method: clinical testing. Allele origin: germline.
Comment: The p.P160L variant (also known as c.479C>T), located in coding exon 9 of the MFAP5 gene, results from a C to T substitution at nucleotide position 479. The proline at codon 160 is replaced by leucine, an amino acid with similar properties. This amino acid position is conserved. In addition, the in silico prediction for this alteration is inconclusive. Since supporting evidence is limited at this time, the clinical significance of this alteration remains unclear.